The following is an entry in ClinVar:

NM_001372123.1(IKZF5):c.1072C>A (p.Gln358Lys)

Gene: IKZF5 (IKAROS family zinc finger 5; minus strand). Cytogenetic location: 10q26.13.
Variant type: single nucleotide variant.
Coding change: c.1072C>A on transcript NM_001372123.1 (MANE Select); coding-DNA position 1072, C replaced by A.
Protein change: p.Gln358Lys; replaces glutamine 358 with lysine.
Molecular consequence: missense variant.
Genome position (GRCh38, 1-based): chr10:122,993,968, G>T on the plus strand (C>A on the coding strand, the complement: IKZF5 is on the minus strand). VCF-style: chr10-122993968-G-T. GRCh37 (hg19) VCF-style: chr10-124753484-G-T.
Other names: c.1072C>A, p.Gln358Lys (NM_001271840.1, NM_001372125.1, NM_001372126.1 and 3 more transcripts); c.868C>A, p.Gln290Lys (NM_001372124.1, NM_001372129.1, NM_001372130.1 and 1 more transcripts); short protein forms Q290K, Q358K.
Identifiers: ClinVar variation 2572151 (VCV002572151.1), dbSNP rs749973001, ClinGen allele CA378610586.

ClinVar aggregate classification (germline): Uncertain significance (1 of 4 stars; one submission).

Conditions:
Thrombocytopenia 7. Also called: THROMBOCYTOPENIA, AUTOSOMAL DOMINANT, 7. Identifiers: MedGen C5436874, MONDO:0030867, OMIM 619130.

Submission:

ISTH-SSC Genomics in Thrombosis and Hemostasis, KU Leuven, Center for Molecular and Vascular Biology
Classification: Uncertain significance for Thrombocytopenia 7. Review status: criteria provided, single submitter. Criteria: ACMG Guidelines, 2015. Collection method: clinical testing. Allele origin: germline. Affected: yes. Observed: 1 heterozygote.
Comment: Submitted to the GoldVariant database by Kathleen Freson, Center for Molecular and Vascular Biology